The following is an entry in ClinVar:

NM_025132.4(WDR19):c.880G>A (p.Gly294Arg)

Gene: WDR19 (WD repeat domain 19; plus strand). Cytogenetic location: 4p14.
Variant type: single nucleotide variant.
Coding change: c.880G>A on transcript NM_025132.4 (MANE Select); coding-DNA position 880, G replaced by A.
Protein change: p.Gly294Arg; replaces glycine 294 with arginine.
Molecular consequence: missense variant.
Genome position (GRCh38, 1-based): chr4:39,205,726, G>A. VCF-style: chr4-39205726-G-A. GRCh37 (hg19) VCF-style: chr4-39207346-G-A.
Other names: c.400G>A, p.Gly134Arg (NM_001317924.2); short protein forms G294R, G134R.
Identifiers: ClinVar variation 446635 (VCV000446635.11), dbSNP rs377160857, ClinGen allele CA2891724.

ClinVar aggregate classification (germline): Pathogenic/Likely pathogenic. Review status: criteria provided, multiple submitters, no conflicts (2 of 4 stars). 5 submissions from 5 submitters: Pathogenic (1); Likely pathogenic (2). 2 of the submissions do not count toward it. Last evaluated 2024-03-13.

Conditions:
Jeune thoracic dystrophy. Also called: Jeune syndrome; Infantile thoracic dystrophy; Thoracic pelvic phalangeal dystrophy; Jeune's syndrome; Chondroectodermal dysplasia-like syndrome; Short-rib thoracic dysplasia. Identifiers: Orphanet 474, MedGen C0265275, MONDO:0018770.
Spermatogenic failure 72 (SPGF72). Identifiers: MedGen C5676980, MONDO:0030809, OMIM 619867.
Senior-Loken syndrome 8 (SLSN8). Identifiers: Orphanet 3156, MedGen C4225376, MONDO:0014579, OMIM 616307.
Asphyxiating thoracic dystrophy 5 (SRTD5). Also called: SHORT-RIB THORACIC DYSPLASIA 5 WITH OR WITHOUT POLYDACTYLY; SHORT-RIB THORACIC DYSPLASIA 5 WITHOUT POLYDACTYLY. Identifiers: Orphanet 474, MedGen C3280598, MONDO:0013717, OMIM 614376.
Nephronophthisis 13 (NPHP13). Identifiers: Orphanet 655, MedGen C3280612, MONDO:0013718, OMIM 614377.
Cranioectodermal dysplasia 4 (CED4). Identifiers: Orphanet 1515, MedGen C3280616, MONDO:0013719, OMIM 614378.
WDR19-related disorder. Also called: WDR19-related condition; WDR19-related disorders. Identifiers: MedGen CN380161.

Allele frequency attached by ClinVar (database versions not stated): gnomAD exomes 0.00003 and 0.00004; TOPMed 0.00003; ExAC 0.00004; gnomAD 0.00005 and 0.00006; ESP Exome Variant Server 0.00008.
gnomAD v4.1: 60 of 1,598,458 alleles (0.0038%); highest among the groups gnomAD compares: Non-Finnish European, 0.0047%; no homozygotes.

Submissions (5):

Fulgent Genetics
Classification: Likely pathogenic for Asphyxiating thoracic dystrophy 5; Nephronophthisis 13; Cranioectodermal dysplasia 4; Senior-Loken syndrome 8; Spermatogenic failure 72. Last evaluated: 2024-03-13. Review status: criteria provided, single submitter. Criteria: ACMG Guidelines, 2015. Collection method: clinical testing. Allele origin: germline.

Labcorp Genetics (formerly Invitae), Labcorp
Classification: Pathogenic for Senior-Loken syndrome 8; Asphyxiating thoracic dystrophy 5. Last evaluated: 2022-12-03. Review status: criteria provided, single submitter. Criteria: Invitae Variant Classification Sherloc (09022015). Collection method: clinical testing. Allele origin: germline.
Comment: For these reasons, this variant has been classified as Pathogenic. Advanced modeling of protein sequence and biophysical properties (such as structural, functional, and spatial information, amino acid conservation, physicochemical variation, residue mobility, and thermodynamic stability) performed at Invitae indicates that this missense variant is expected to disrupt WDR19 protein function. ClinVar contains an entry for this variant (Variation ID: 446635). This missense change has been observed in individual(s) with clinical features of WDR19-related conditions (PMID: 26275793, 29068549). In at least one individual the data is consistent with being in trans (on the opposite chromosome) from a pathogenic variant. This variant is present in population databases (rs377160857, gnomAD 0.007%). This sequence change replaces glycine, which is neutral and non-polar, with arginine, which is basic and polar, at codon 294 of the WDR19 protein (p.Gly294Arg).

Blueprint Genetics
Classification: Likely pathogenic for WDR19-related disorders. Last evaluated: 2020-03-06. Review status: criteria provided, single submitter. Criteria: ACMG Guidelines, 2015. Collection method: clinical testing. Allele origin: germline. Affected: yes. Observed: 5 variant alleles.

Dan Cohn Lab, University Of California Los Angeles
Classification: Pathogenic for Asphyxiating thoracic dystrophy. Last evaluated: 2017-06-01. Review status: no assertion criteria provided. Collection method: research. Allele origin: maternal. Affected: yes. Not counted in ClinVar's aggregate classification.

University of Washington Center for Mendelian Genomics, University of Washington
Classification: Likely pathogenic for asphyxiating thoracic dystrophy. Review status: no assertion criteria provided. Collection method: research. Allele origin: inherited. Affected: yes. Not counted in ClinVar's aggregate classification.

Literature cited by the submitters: PubMed 26275793 (cited by Labcorp Genetics (formerly Invitae), Labcorp); PubMed 29068549 (cited by 3 submitters).